The following is an entry in ClinVar:

NM_004655.4(AXIN2):c.509T>A (p.Met170Lys)

Gene: AXIN2 (axin 2; minus strand). Cytogenetic location: 17q24.1.
Variant type: single nucleotide variant.
Coding change: c.509T>A on transcript NM_004655.4 (MANE Select); coding-DNA position 509, T replaced by A.
Protein change: p.Met170Lys; replaces methionine 170 with lysine.
Molecular consequence: missense variant.
Genome position (GRCh38, 1-based): chr17:65,558,112, A>T on the plus strand (T>A on the coding strand, the complement: AXIN2 is on the minus strand). VCF-style: chr17-65558112-A-T. GRCh37 (hg19) VCF-style: chr17-63554230-A-T.
Other names: c.509T>A, p.Met170Lys (NM_001363813.1); short protein forms M170K.
Identifiers: ClinVar variation 2829180 (VCV002829180.3), dbSNP rs2144585137, ClinGen allele CA400681116.

ClinVar aggregate classification (germline): Uncertain significance (1 of 4 stars; one submission).

Conditions:
Oligodontia-cancer predisposition syndrome. Also called: TOOTH AGENESIS-COLORECTAL CANCER SYNDROME. Identifiers: Orphanet 300576, MedGen C1837750, MONDO:0012075, OMIM 608615. Disease mechanism: loss of function.

Submission:

Labcorp Genetics (formerly Invitae), Labcorp
Classification: Uncertain significance for Oligodontia-cancer predisposition syndrome. Last evaluated: 2023-01-16. Review status: criteria provided, single submitter. Criteria: Invitae Variant Classification Sherloc (09022015). Collection method: clinical testing. Allele origin: germline.
Comment: In summary, the available evidence is currently insufficient to determine the role of this variant in disease. Therefore, it has been classified as a Variant of Uncertain Significance. Advanced modeling of protein sequence and biophysical properties (such as structural, functional, and spatial information, amino acid conservation, physicochemical variation, residue mobility, and thermodynamic stability) performed at Invitae indicates that this missense variant is expected to disrupt AXIN2 protein function. This variant has not been reported in the literature in individuals affected with AXIN2-related conditions. This variant is not present in population databases (gnomAD no frequency). This sequence change replaces methionine, which is neutral and non-polar, with lysine, which is basic and polar, at codon 170 of the AXIN2 protein (p.Met170Lys).